The following is an entry in ClinVar:

NM_002778.4(PSAP):c.1459A>T (p.Lys487Ter)

Gene: PSAP (prosaposin; minus strand). Cytogenetic location: 10q22.1.
Variant type: single nucleotide variant.
Coding change: c.1459A>T on transcript NM_002778.4 (MANE Select); coding-DNA position 1459, A replaced by T.
Protein change: p.Lys487Ter; replaces lysine 487 with a stop codon.
Molecular consequence: nonsense.
Genome position (GRCh38, 1-based): chr10:71,818,697, T>A on the plus strand (A>T on the coding strand, the complement: PSAP is on the minus strand). VCF-style: chr10-71818697-T-A. GRCh37 (hg19) VCF-style: chr10-73578454-T-A.
Other names: c.1468A>T, p.Lys490Ter (NM_001042465.3); c.1465A>T, p.Lys489Ter (NM_001042466.3); short protein forms K487*, K489*, K490*.
Identifiers: ClinVar variation 4815077 (VCV004815077.1).

ClinVar aggregate classification (germline): Likely pathogenic (1 of 4 stars; one submission).

Conditions:
Metachromatic leukodystrophy (MLD). Also called: Cerebral sclerosis diffuse metachromatic form; Arylsulfatase A Deficiency; ARSA DEFICIENCY; CEREBROSIDE SULFATASE DEFICIENCY; METACHROMATIC LEUKOENCEPHALOPATHY; SULFATIDE LIPIDOSIS. Identifiers: Orphanet 512, MedGen C0023522, MONDO:0018868, OMIM 250100.

gnomAD v4.1: 1 of 1,614,078 alleles (0.000062%); highest among the groups gnomAD compares: Non-Finnish European, 0.000085%; no homozygotes.

Submission:

Natera, Inc.
Classification: Likely pathogenic for Metachromatic leukodystrophy. Last evaluated: 2025-11-24. Review status: criteria provided, single submitter. Criteria: Natera Variant Classification Schema (03/2026). Collection method: clinical testing. Allele origin: germline.
Comment: The c.1459A>T variant in PSAP is a nonsense variant predicted to introduce a stop codon at amino acid 487. This variant is expected to result in nonsense mediated decay, truncation, or a dysfunctional protein product. This variant is rare in the general population with a frequency below the threshold expected for the associated phenotype(s). Given the available evidence, this variant is classified as Likely Pathogenic.